The following is an entry in ClinVar:

ClinVar aggregate classification (germline): Uncertain significance (1 of 4 stars; one submission).

Submission:

GeneDx
Classification: Uncertain significance. Last evaluated: 2023-11-14. Review status: criteria provided, single submitter. Criteria: GeneDx Variant Classification Process June 2021. Collection method: clinical testing. Allele origin: germline. Affected: yes.
Comment: Not observed at significant frequency in large population cohorts (gnomAD); In silico analysis supports that this missense variant has a deleterious effect on protein structure/function; Has not been previously published as pathogenic or benign to our knowledge

NM_005360.5(MAF):c.866T>G (p.Leu289Arg)

Gene: MAF (MAF bZIP transcription factor; minus strand). Cytogenetic location: 16q23.2.
Variant type: single nucleotide variant.
Coding change: c.866T>G on transcript NM_005360.5 (MANE Select); coding-DNA position 866, T replaced by G.
Protein change: p.Leu289Arg; replaces leucine 289 with arginine.
Molecular consequence: missense variant.
Genome position (GRCh38, 1-based): chr16:79,599,037, A>C on the plus strand (T>G on the coding strand, the complement: MAF is on the minus strand). VCF-style: chr16-79599037-A-C. GRCh37 (hg19) VCF-style: chr16-79632934-A-C.
Other names: c.866T>G, p.Leu289Arg (NM_001031804.3); short protein forms L289R.
Identifiers: ClinVar variation 3364040 (VCV003364040.1).